The following is an entry in ClinVar:

ClinVar aggregate classification (germline): Uncertain significance (1 of 4 stars; one submission).

Allele frequency attached by ClinVar (database versions not stated): gnomAD exomes below 0.00001; TOPMed 0.00002.
gnomAD v4.1: 1 of 1,574,420 alleles (0.000064%); highest among the groups gnomAD compares: Non-Finnish European, 0.000086%; no homozygotes.

Submission:

Labcorp Genetics (formerly Invitae), Labcorp
Classification: Uncertain significance. Last evaluated: 2022-07-25. Review status: criteria provided, single submitter. Criteria: Invitae Variant Classification Sherloc (09022015). Collection method: clinical testing. Allele origin: germline.
Comment: This sequence change replaces tryptophan, which is neutral and slightly polar, with arginine, which is basic and polar, at codon 24 of the GPR179 protein (p.Trp24Arg). This variant is not present in population databases (gnomAD no frequency). This variant has not been reported in the literature in individuals affected with GPR179-related conditions. ClinVar contains an entry for this variant (Variation ID: 1476336). Algorithms developed to predict the effect of missense changes on protein structure and function are either unavailable or do not agree on the potential impact of this missense change (SIFT: "Tolerated"; PolyPhen-2: "Probably Damaging"; Align-GVGD: "Class C0"). In summary, the available evidence is currently insufficient to determine the role of this variant in disease. Therefore, it has been classified as a Variant of Uncertain Significance.

NM_001004334.4(GPR179):c.70T>C (p.Trp24Arg)

Gene: GPR179 (G protein-coupled receptor 179; minus strand). Cytogenetic location: 17q12.
Variant type: single nucleotide variant.
Coding change: c.70T>C on transcript NM_001004334.4 (MANE Select); coding-DNA position 70, T replaced by C.
Protein change: p.Trp24Arg; replaces tryptophan 24 with arginine.
Molecular consequence: missense variant.
Genome position (GRCh38, 1-based): chr17:38,343,720, A>G on the plus strand (T>C on the coding strand, the complement: GPR179 is on the minus strand). VCF-style: chr17-38343720-A-G. GRCh37 (hg19) VCF-style: chr17-36499603-A-G.
Other names: short protein forms W24R.
Identifiers: ClinVar variation 1476336 (VCV001476336.5), dbSNP rs1174470723, ClinGen allele CA398889969.